The following is an entry in ClinVar:

NM_006736.6(DNAJB2):c.829C>T (p.Arg277Trp)

Gene: DNAJB2 (DnaJ heat shock protein family (Hsp40) member B2; plus strand). Cytogenetic location: 2q35.
Variant type: single nucleotide variant.
Coding change: c.829C>T on transcript NM_006736.6 (MANE Select); coding-DNA position 829, C replaced by T.
Protein change: p.Arg277Trp; replaces arginine 277 with tryptophan.
Molecular consequence: missense variant. On other transcripts: intron variant (1).
Genome position (GRCh38, 1-based): chr2:219,284,841, C>T. VCF-style: chr2-219284841-C-T. GRCh37 (hg19) VCF-style: chr2-220149563-C-T.
Other names: c.823+6C>T (NM_001039550.2); short protein forms R277W.
Identifiers: ClinVar variation 849978 (VCV000849978.7), dbSNP rs755166275, ClinGen allele CA2123111.

ClinVar aggregate classification (germline): Uncertain significance (1 of 4 stars; one submission).

Conditions:
Neuronopathy, distal hereditary motor, autosomal recessive 5. Also called: Young adult-onset distal hereditary motor neuropathy; NEUROPATHY, DISTAL HEREDITARY MOTOR, AUTOSOMAL RECESSIVE 5; Spinal muscular atrophy, distal, autosomal recessive, 5. Identifiers: Orphanet 314485, Orphanet 443950, MedGen C4749918, MONDO:0013947, OMIM 614881.

Allele frequency attached by ClinVar (database versions not stated): gnomAD exomes below 0.00001; ExAC 0.00001.

Submission:

Labcorp Genetics (formerly Invitae), Labcorp
Classification: Uncertain significance for Neuronopathy, distal hereditary motor, autosomal recessive 5. Last evaluated: 2021-09-02. Review status: criteria provided, single submitter. Criteria: Invitae Variant Classification Sherloc (09022015). Collection method: clinical testing. Allele origin: germline.
Comment: This sequence change falls in intron 9 of the DNAJB2 gene. It does not directly change the encoded amino acid sequence of the DNAJB2 protein. It affects a nucleotide within the consensus splice site of the intron. This variant is present in population databases (rs755166275, ExAC 0.002%). This variant has not been reported in the literature in individuals affected with DNAJB2-related conditions. Variants that disrupt the consensus splice site are a relatively common cause of aberrant splicing (PMID: 17576681, 9536098). Algorithms developed to predict the effect of sequence changes on RNA splicing suggest that this variant may create or strengthen a splice site. In summary, the available evidence is currently insufficient to determine the role of this variant in disease. Therefore, it has been classified as a Variant of Uncertain Significance.

Literature cited by the submitters: PubMed 17576681; PubMed 9536098.